The following is an entry in ClinVar:

NM_030962.4(SBF2):c.5483G>A (p.Cys1828Tyr)

Genes: SBF2 (SET binding factor 2; minus strand), SBF2-AS1 (SBF2 antisense RNA 1; plus strand). Cytogenetic location: 11p15.4.
Variant type: single nucleotide variant.
Coding change: c.5483G>A on transcript NM_030962.4 (MANE Select); coding-DNA position 5483, G replaced by A.
Protein change: p.Cys1828Tyr; replaces cysteine 1828 with tyrosine.
Molecular consequence: missense variant.
Genome position (GRCh38, 1-based): chr11:9,780,485, C>T on the plus strand (G>A on the coding strand, the complement: SBF2 is on the minus strand). VCF-style: chr11-9780485-C-T. GRCh37 (hg19) VCF-style: chr11-9802032-C-T.
Other names: c.5579G>A, p.Cys1860Tyr (NM_001386339.1); c.5354G>A, p.Cys1785Tyr (NM_001386342.1); short protein forms C1828Y, C1785Y, C1860Y.
Identifiers: ClinVar variation 571350 (VCV000571350.12), dbSNP rs146064484, ClinGen allele CA5880689.

ClinVar aggregate classification (germline): Uncertain significance. Review status: criteria provided, multiple submitters, no conflicts (2 of 4 stars). 4 submissions from 4 submitters: Uncertain significance (4). Last evaluated 2026-09-30.

Conditions:
Charcot-Marie-Tooth disease. Also called: Charcot-Marie-Tooth Hereditary Neuropathy; Charcot-Marie-Tooth Neuropathy. Identifiers: Orphanet 166, MedGen C0007959, MONDO:0015626.
Inborn genetic diseases. Identifiers: MedGen C0950123, MeSH D030342.
Charcot-Marie-Tooth disease type 4. Also called: Charcot-Marie-Tooth disease, type IV; Charcot-Marie-Tooth, Type 4. Identifiers: Orphanet 64749, MedGen C4082197, MONDO:0018995.

Allele frequency attached by ClinVar (database versions not stated): ESP Exome Variant Server 0.00015; ExAC 0.00001; TOPMed 0.00002; gnomAD 0.00001; gnomAD exomes 0.00001 and 0.00003.
gnomAD v4.1: 17 of 1,614,016 alleles (0.0011%); highest among the groups gnomAD compares: Non-Finnish European, 0.0014%; no homozygotes.

Submissions (4):

GeneDx
Classification: Uncertain significance. Last evaluated: 2026-09-30. Review status: criteria provided, single submitter. Criteria: GeneDx Variant Classification Process June 2021. Collection method: clinical testing. Allele origin: germline.
Comment: In silico analysis supports that this missense variant has a deleterious effect on protein structure/function; Reported previously in an individual with suspected diagnosis of CMT; however, detailed clinical or segregation information was not provided (PMID: 32376792); This variant is associated with the following publications: (PMID: 32376792)

Labcorp Genetics (formerly Invitae), Labcorp
Classification: Uncertain significance for Charcot-Marie-Tooth disease type 4. Last evaluated: 2024-10-25. Review status: criteria provided, single submitter. Criteria: Invitae Variant Classification Sherloc (09022015). Collection method: clinical testing. Allele origin: germline.
Comment: This sequence change replaces cysteine, which is neutral and slightly polar, with tyrosine, which is neutral and polar, at codon 1828 of the SBF2 protein (p.Cys1828Tyr). This variant is present in population databases (rs146064484, gnomAD 0.005%). This missense change has been observed in individual(s) with clinical features of Charcot-Marie-Tooth disease (PMID: 32376792). ClinVar contains an entry for this variant (Variation ID: 571350). Invitae Evidence Modeling of protein sequence and biophysical properties (such as structural, functional, and spatial information, amino acid conservation, physicochemical variation, residue mobility, and thermodynamic stability) indicates that this missense variant is not expected to disrupt SBF2 protein function with a negative predictive value of 80%. In summary, the available evidence is currently insufficient to determine the role of this variant in disease. Therefore, it has been classified as a Variant of Uncertain Significance.

Ambry Genetics
Classification: Uncertain significance for Inborn genetic diseases. Last evaluated: 2023-12-11. Review status: criteria provided, single submitter. Criteria: Ambry Variant Classification Scheme 2023. Collection method: clinical testing. Allele origin: germline.

Molecular Genetics Laboratory, London Health Sciences Centre
Classification: Uncertain significance for Charcot-Marie-Tooth disease. Review status: criteria provided, single submitter. Criteria: ACMG Guidelines, 2015. Collection method: clinical testing. Allele origin: germline. Affected: yes.

Literature cited by the submitters: PubMed 32376792 (cited by Labcorp Genetics (formerly Invitae), Labcorp and Ambry Genetics).